The following is an entry in ClinVar:

NM_018127.7(ELAC2):c.1181C>T (p.Pro394Leu)

Gene: ELAC2 (elaC ribonuclease Z 2; minus strand). Cytogenetic location: 17p12.
Variant type: single nucleotide variant.
Coding change: c.1181C>T on transcript NM_018127.7 (MANE Select); coding-DNA position 1181, C replaced by T.
Protein change: p.Pro394Leu; replaces proline 394 with leucine.
Molecular consequence: missense variant.
Genome position (GRCh38, 1-based): chr17:13,002,478, G>A on the plus strand (C>T on the coding strand, the complement: ELAC2 is on the minus strand). VCF-style: chr17-13002478-G-A. GRCh37 (hg19) VCF-style: chr17-12905795-G-A.
Other names: p.Pro394Leu; c.1061C>T, p.Pro354Leu (NM_001165962.2); c.1181C>T, p.Pro394Leu (NM_173717.2); short protein forms P354L, P394L.
Identifiers: ClinVar variation 640938 (VCV000640938.5), dbSNP rs1347935204, ClinGen allele CA398225366.

ClinVar aggregate classification (germline): Uncertain significance. Review status: criteria provided, multiple submitters, no conflicts (2 of 4 stars). 3 submissions from 3 submitters: Uncertain significance (3). Last evaluated 2025-01-29.

Conditions:
Combined oxidative phosphorylation defect type 17. Also called: Combined oxidative phosphorylation deficiency 17. Identifiers: Orphanet 369913, MedGen C3809526, MONDO:0014190, OMIM 615440.

Allele frequency attached by ClinVar (database versions not stated): gnomAD exomes 0.00001; TOPMed 0.00001; gnomAD 0.00003.
gnomAD v4.1: 16 of 1,608,630 alleles (0.00099%); highest among the groups gnomAD compares: African/African-American, 0.004%; no homozygotes.

Submissions (3):

Mayo Clinic Laboratories, Mayo Clinic
Classification: Uncertain significance. Last evaluated: 2025-01-29. Review status: criteria provided, single submitter. Criteria: ACMG Guidelines, 2015. Collection method: clinical testing. Allele origin: germline. Observed: 1 variant allele.
Comment: PM2_supporting

GeneDx
Classification: Uncertain significance. Last evaluated: 2024-09-18. Review status: criteria provided, single submitter. Criteria: GeneDx Variant Classification Process June 2021. Collection method: clinical testing. Allele origin: germline. Affected: yes.
Comment: In silico analysis supports that this missense variant has a deleterious effect on protein structure/function; Has not been previously published as pathogenic or benign to our knowledge

Labcorp Genetics (formerly Invitae), Labcorp
Classification: Uncertain significance for Combined oxidative phosphorylation defect type 17. Last evaluated: 2021-09-01. Review status: criteria provided, single submitter. Criteria: Invitae Variant Classification Sherloc (09022015). Collection method: clinical testing. Allele origin: germline.
Comment: This sequence change replaces proline with leucine at codon 394 of the ELAC2 protein (p.Pro394Leu). The proline residue is moderately conserved and there is a moderate physicochemical difference between proline and leucine. This variant is not present in population databases (ExAC no frequency). This variant has not been reported in the literature in individuals affected with ELAC2-related conditions. Algorithms developed to predict the effect of missense changes on protein structure and function are either unavailable or do not agree on the potential impact of this missense change (SIFT: "Deleterious"; PolyPhen-2: "Possibly Damaging"; Align-GVGD: "Class C0"). In summary, the available evidence is currently insufficient to determine the role of this variant in disease. Therefore, it has been classified as a Variant of Uncertain Significance.